The following is an entry in ClinVar:

ClinVar aggregate classification (germline): Uncertain significance. Review status: criteria provided, multiple submitters, no conflicts (2 of 4 stars). 2 submissions from 2 submitters: Uncertain significance (2). Last evaluated 2024-03-07.

Conditions:
Cardiomyopathy (CMYO). Also called: Cardiomyopathies. Identifiers: Orphanet 167848, MedGen C0878544, MONDO:0004994, HP:0001638. Inheritance: Various modes of inheritance.
Familial isolated arrhythmogenic right ventricular dysplasia. Identifiers: Orphanet 217656, MedGen C4274968, MONDO:0016342.

Submissions (2):

Color Diagnostics, LLC DBA Color Health
Classification: Uncertain significance for Cardiomyopathy. Last evaluated: 2024-03-07. Review status: criteria provided, single submitter. Criteria: ACMG Guidelines, 2015. Collection method: clinical testing. Allele origin: germline.
Comment: This missense variant replaces alanine with threonine at codon 447 of the DSC2 protein. Computational prediction suggests that this variant may not impact protein structure and function (internally defined REVEL score threshold <= 0.5, PMID: 27666373). To our knowledge, functional studies have not been reported for this variant. This variant has not been reported in individuals affected with cardiovascular disorders in the literature. This variant has not been identified in the general population by the Genome Aggregation Database (gnomAD). The available evidence is insufficient to determine the role of this variant in disease conclusively. Therefore, this variant is classified as a Variant of Uncertain Significance.

All of Us Research Program, National Institutes of Health
Classification: Uncertain significance for Familial isolated arrhythmogenic right ventricular dysplasia. Last evaluated: 2023-02-24. Review status: criteria provided, single submitter. Criteria: ACMG Guidelines, 2015. Collection method: clinical testing. Allele origin: germline. Inheritance: Autosomal dominant inheritance. Observed: 1 variant allele, 1 heterozygote.
Comment: This missense variant replaces alanine with threonine at codon 447 of the DSC2 protein. Computational prediction suggests that this variant may not impact protein structure and function (internally defined REVEL score threshold <= 0.5, PMID: 27666373). To our knowledge, functional studies have not been reported for this variant. This variant has not been reported in individuals affected with cardiovascular disorders in the literature. This variant has not been identified in the general population by the Genome Aggregation Database (gnomAD). The available evidence is insufficient to determine the role of this variant in disease conclusively. Therefore, this variant is classified as a Variant of Uncertain Significance.

This study involves interpretation of variants in research participants for the purpose of population health screening. Participant phenotype was not available at the time of variant classification. Additional details can be found in publication PMID: 35346344, PMCID: PMC8962531

NM_024422.6(DSC2):c.1339G>A (p.Ala447Thr)

Gene: DSC2 (desmocollin 2; minus strand). Cytogenetic location: 18q12.1.
Variant type: single nucleotide variant.
Coding change: c.1339G>A on transcript NM_024422.6 (MANE Select); coding-DNA position 1339, G replaced by A.
Protein change: p.Ala447Thr; replaces alanine 447 with threonine.
Molecular consequence: missense variant.
Genome position (GRCh38, 1-based): chr18:31,080,277, C>T on the plus strand (G>A on the coding strand, the complement: DSC2 is on the minus strand). VCF-style: chr18-31080277-C-T. GRCh37 (hg19) VCF-style: chr18-28660243-C-T.
Other names: c.1339G>A, p.Ala447Thr (NM_004949.5); short protein forms A447T.
Identifiers: ClinVar variation 1171686 (VCV001171686.5), dbSNP rs2144814116, ClinGen allele CA402108710.